The following is an entry in ClinVar:

ClinVar aggregate classification (germline): Likely pathogenic (1 of 4 stars; one submission).

Conditions:
Cardiovascular phenotype. Identifiers: MedGen CN230736.

Submission:

Molecular Diagnostic Laboratory for Inherited Cardiovascular Disease, Montreal Heart Institute
Classification: Likely pathogenic for Cardiovascular phenotype. Last evaluated: 2025-03-12. Review status: criteria provided, single submitter. Criteria: ACMG Guidelines, 2015. Collection method: clinical testing. Allele origin: germline. Affected: yes.
Comment: PVS1, PM2

NM_001134363.2:c.(1800+1_1801-1)_(3451+1_3452-1)del

Gene: RBM20 (RNA binding motif protein 20; plus strand).
Variant type: Deletion.
Identifiers: ClinVar variation 3895453 (VCV003895453.1).